The following is an entry in ClinVar:

NM_000642.3(AGL):c.3193G>A (p.Asp1065Asn)

Gene: AGL (amylo-alpha-1,6-glucosidase and 4-alpha-glucanotransferase; plus strand). Cytogenetic location: 1p21.2.
Variant type: single nucleotide variant.
Coding change: c.3193G>A on transcript NM_000642.3 (MANE Select); coding-DNA position 3193, G replaced by A.
Protein change: p.Asp1065Asn; replaces aspartic acid 1065 with asparagine.
Molecular consequence: missense variant.
Genome position (GRCh38, 1-based): chr1:99,892,541, G>A. VCF-style: chr1-99892541-G-A. GRCh37 (hg19) VCF-style: chr1-100358097-G-A.
Other names: c.3193G>A, p.Asp1065Asn (NM_000028.3, NM_000643.3, NM_000644.3 and 1 more transcripts); c.3145G>A, p.Asp1049Asn (NM_000646.3); c.3172G>A, p.Asp1058Asn (NM_001425326.1); c.2992G>A, p.Asp998Asn (NM_001425327.1); c.2989G>A, p.Asp997Asn (NM_001425328.1); c.2854G>A, p.Asp952Asn (NM_001425329.1); c.2815G>A, p.Asp939Asn (NM_001425332.1); short protein forms D1049N, D1065N, D1058N, D939N, D952N, D997N, D998N.
Identifiers: ClinVar variation 1907703 (VCV001907703.5), dbSNP rs1415280361, ClinGen allele CA341326968.
Genomic context (GRCh38, chr1:99,892,541, plus strand): 5'-GTTCAACTGTGTGGAGTAGGAAAATTCCCTTCCCTGCCAATTCTTTCACCTGCCCTAATG[G>A]ATGTACCTTATAGGTTAAATGAGATCACAAAAGAAAAGGAGCAATGTTGTGTTTCTCTAG-3'
Protein context (NP_000633.2, residues 1055-1075): SLPILSPALM[Asp1065Asn]VPYRLNEITK

ClinVar aggregate classification (germline): Uncertain significance (1 of 4 stars; one submission).

Conditions:
Glycogen storage disease type III (GSD3). Also called: Cori disease; FORBES DISEASE. Identifiers: Orphanet 366, MedGen C0017922, MONDO:0009291, OMIM 232400.

Allele frequency attached by ClinVar (database versions not stated): gnomAD exomes below 0.00001.
gnomAD v4.1: 3 of 1,613,624 alleles (0.00019%); highest among the groups gnomAD compares: Admixed American, 0.0017%; no homozygotes.

Submission:

Labcorp Genetics (formerly Invitae), Labcorp
Classification: Uncertain significance for Glycogen storage disease type III. Last evaluated: 2022-06-25. Review status: criteria provided, single submitter. Criteria: Invitae Variant Classification Sherloc (09022015). Collection method: clinical testing. Allele origin: germline.
Comment: This variant is present in population databases (no rsID available, gnomAD 0.003%). This variant has not been reported in the literature in individuals affected with AGL-related conditions. Algorithms developed to predict the effect of missense changes on protein structure and function are either unavailable or do not agree on the potential impact of this missense change (SIFT: "Deleterious"; PolyPhen-2: "Possibly Damaging"; Align-GVGD: "Class C0"). In summary, the available evidence is currently insufficient to determine the role of this variant in disease. Therefore, it has been classified as a Variant of Uncertain Significance. This sequence change replaces aspartic acid, which is acidic and polar, with asparagine, which is neutral and polar, at codon 1065 of the AGL protein (p.Asp1065Asn).